The following is an entry in ClinVar:

NM_004186.5(SEMA3F):c.2171C>T (p.Thr724Met)

Gene: SEMA3F (semaphorin 3F; plus strand). Cytogenetic location: 3p21.31.
Variant type: single nucleotide variant.
Coding change: c.2171C>T on transcript NM_004186.5 (MANE Select); coding-DNA position 2171, C replaced by T.
Protein change: p.Thr724Met; replaces threonine 724 with methionine.
Molecular consequence: missense variant.
Genome position (GRCh38, 1-based): chr3:50,187,928, C>T. VCF-style: chr3-50187928-C-T. GRCh37 (hg19) VCF-style: chr3-50225361-C-T.
Other names: c.2171C>T (NM_004186.4); c.1874C>T, p.Thr625Met (NM_001318798.2); c.2078C>T, p.Thr693Met (NM_001318800.2); short protein forms T625M, T693M, T724M.
Identifiers: ClinVar variation 982050 (VCV000982050.3), dbSNP rs768027884, ClinGen allele CA2412365.

ClinVar aggregate classification (germline): Uncertain significance. Review status: criteria provided, single submitter (1 of 4 stars). 2 submissions from 2 submitters: Uncertain significance (1). 1 of the submissions does not count toward it. Last evaluated 2026-05-28.

Conditions:
SEMA3F-related disorder. Also called: SEMA3F-related condition.
Hypogonadotropic hypogonadism. Also called: Low gonadotropins (secondary hypogonadism); Hypogonadotrophic hypogonadism; Isolated hypogonadotropic hypogonadism; Hypogonadotropic hypogonadism with or without anosmia. Identifiers: Orphanet 432, MedGen C0271623, MONDO:0018555, HP:0000044.

Allele frequency attached by ClinVar (database versions not stated): ExAC 0.00002; gnomAD 0.00002 and 0.00004; gnomAD exomes 0.00003; TOPMed 0.00003.
gnomAD v4.1: 56 of 1,607,948 alleles (0.0035%); highest among the groups gnomAD compares: Middle Eastern, 0.066%; 1 homozygote.

Submissions (2):

PreventionGenetics, part of Exact Sciences
Classification: Uncertain significance for SEMA3F-related condition. Last evaluated: 2026-05-28. Review status: criteria provided, single submitter. Criteria: ACMG Guidelines, 2015. Collection method: clinical testing. Allele origin: germline.
Comment: The SEMA3F c.2171C>T variant is predicted to result in the amino acid substitution p.Thr724Met. This variant was reported in two non-obese siblings with hypogonadotropic hypogonadism; however no additional functional studies were done to test the pathogenicity of this change, and familial segregation data did not fully support pathogenicity (Kotan et al 2021. PubMed ID: 33495532). This variant is reported in 0.0044% of alleles in individuals of African descent in gnomAD. At this time, the clinical significance of this variant is uncertain due to the absence of conclusive functional and genetic evidence.

Department of Pediatric Endocrinology, Cukurova University Medical Faculty
Classification: Affects for Hypogonadotropic hypogonadism with or without anosmia. Review status: no assertion criteria provided. Collection method: research. Allele origin: maternal. Inheritance: Oligogenic inheritance. Affected: yes. Observed: 1 heterozygote. Not counted in ClinVar's aggregate classification.